The following is an entry in ClinVar:

ClinVar aggregate classification (germline): Uncertain significance. Review status: criteria provided, multiple submitters, no conflicts (2 of 4 stars). 2 submissions from 2 submitters: Uncertain significance (2). Last evaluated 2022-12-01.

Conditions:
Familial acute necrotizing encephalopathy (IIAE3). Also called: ENCEPHALOPATHY, ACUTE, INFECTION-INDUCED, SUSCEPTIBILITY TO, 3; Susceptibility to Acute Necrotizing Encephalopathy 1. Identifiers: Orphanet 88619, MedGen C2675556, MONDO:0011953, OMIM 608033.

Allele frequency attached by ClinVar (database versions not stated): gnomAD exomes 0.00001 and 0.00002; ExAC 0.00002; gnomAD 0.00004 and 0.00005; TOPMed 0.00005; ESP Exome Variant Server 0.00015; 1000 Genomes Project 30x 0.00016; 1000 Genomes Project 0.00020.
gnomAD v4.1: 15 of 1,613,618 alleles (0.00093%); highest among the groups gnomAD compares: African/African-American, 0.017%; no homozygotes.

Submissions (2):

Ambry Genetics
Classification: Uncertain significance. Last evaluated: 2022-12-01. Review status: criteria provided, single submitter. Criteria: Ambry Variant Classification Scheme 2023. Collection method: clinical testing. Allele origin: germline.

Labcorp Genetics (formerly Invitae), Labcorp
Classification: Uncertain significance for Familial acute necrotizing encephalopathy. Last evaluated: 2018-03-07. Review status: criteria provided, single submitter. Criteria: Invitae Variant Classification Sherloc (09022015). Collection method: clinical testing. Allele origin: germline.
Comment: This sequence change replaces serine with isoleucine at codon 2804 of the RANBP2 protein (p.Ser2804Ile). The serine residue is highly conserved and there is a large physicochemical difference between serine and isoleucine. This variant is present in population databases (rs368049213, ExAC 0.03%). This variant has not been reported in the literature in individuals with RANBP2-related disease. Algorithms developed to predict the effect of missense changes on protein structure and function (SIFT, PolyPhen-2, Align-GVGD) all suggest that this variant is likely to be disruptive, but these predictions have not been confirmed by published functional studies and their clinical significance is uncertain. In summary, the available evidence is currently insufficient to determine the role of this variant in disease. Therefore, it has been classified as a Variant of Uncertain Significance.

NM_006267.5(RANBP2):c.8411G>T (p.Ser2804Ile)

Gene: RANBP2 (RAN binding protein 2; plus strand). Cytogenetic location: 2q13.
Variant type: single nucleotide variant.
Coding change: c.8411G>T on transcript NM_006267.5 (MANE Select); coding-DNA position 8411, G replaced by T.
Protein change: p.Ser2804Ile; replaces serine 2804 with isoleucine.
Molecular consequence: missense variant.
Genome position (GRCh38, 1-based): chr2:108,775,850, G>T. VCF-style: chr2-108775850-G-T. GRCh37 (hg19) VCF-style: chr2-109392306-G-T.
Other names: short protein forms S2804I.
Identifiers: ClinVar variation 583028 (VCV000583028.11), dbSNP rs368049213, ClinGen allele CA1823832.
Genomic context (GRCh38, chr2:108,775,850, plus strand): 5'-AAGTGATGGTACCTTCTTTCTGTAAATCTGAAGAACCTGATTCTATTACCAAATCCATTA[G>T]TTCACCATCTGTTTCCTCTGAAACTATGGACAAACCTGTAGATTTGTCAACTAGAAAGGA-3'
Protein context (NP_006258.3, residues 2794-2814): EEPDSITKSI[Ser2804Ile]SPSVSSETMD